The following is an entry in ClinVar:

ClinVar aggregate classification (germline): Uncertain significance. Review status: criteria provided, multiple submitters, no conflicts (2 of 4 stars). 5 submissions from 5 submitters: Uncertain significance (2). 3 of the submissions do not count toward it. Last evaluated 2025-07-10.

Conditions:
Early-infantile DEE. Also called: Ohtahara syndrome; Early infantile epileptic encephalopathy with suppression bursts; Early infantile epileptic encephalopathy. Identifiers: Orphanet 1934, MedGen C0393706, MONDO:0800491.

Allele frequency attached by ClinVar (database versions not stated): ExAC 0.00001; gnomAD exomes 0.00002; TOPMed 0.00002.
gnomAD v4.1: 19 of 1,614,112 alleles (0.0012%); highest among the groups gnomAD compares: African/African-American, 0.0027%; no homozygotes.

Submissions (5):

Labcorp Genetics (formerly Invitae), Labcorp
Classification: Uncertain significance for Early-infantile DEE. Last evaluated: 2025-07-10. Review status: criteria provided, single submitter. Criteria: Invitae Variant Classification Sherloc (09022015). Collection method: clinical testing. Allele origin: germline.
Comment: This sequence change replaces arginine, which is basic and polar, with cysteine, which is neutral and slightly polar, at codon 1427 of the SPTAN1 protein (p.Arg1427Cys). This variant is present in population databases (rs774559979, gnomAD 0.003%). This variant has not been reported in the literature in individuals affected with SPTAN1-related conditions. ClinVar contains an entry for this variant (Variation ID: 1206140). Invitae Evidence Modeling of protein sequence and biophysical properties (such as structural, functional, and spatial information, amino acid conservation, physicochemical variation, residue mobility, and thermodynamic stability) has been performed for this missense variant. However, the output from this modeling did not meet the statistical confidence thresholds required to predict the impact of this variant on SPTAN1 protein function. In summary, the available evidence is currently insufficient to determine the role of this variant in disease. Therefore, it has been classified as a Variant of Uncertain Significance.

GeneDx
Classification: Uncertain significance. Last evaluated: 2024-03-11. Review status: criteria provided, single submitter. Criteria: GeneDx Variant Classification Process June 2021. Collection method: clinical testing. Allele origin: germline. Affected: yes.
Comment: Observed in a patient with schizophrenia in the published literature; however, no further clinical information was provided (PMID: 27694994); In silico analysis supports that this missense variant has a deleterious effect on protein structure/function; Missense variant in a gene in which most reported pathogenic variants are truncating/loss of function; This variant is associated with the following publications: (PMID: 27694994)

Diagnostic Laboratory, Department of Genetics, University Medical Center Groningen
Classification: Uncertain significance. Review status: no assertion criteria provided. Collection method: clinical testing. Allele origin: germline. Affected: yes. Study: VKGL Data-share Consensus. Not counted in ClinVar's aggregate classification.

Joint Genome Diagnostic Labs from Nijmegen and Maastricht, Radboudumc and MUMC+
Classification: Uncertain significance. Review status: no assertion criteria provided. Collection method: clinical testing. Allele origin: germline. Affected: yes. Study: VKGL Data-share Consensus. Not counted in ClinVar's aggregate classification.

Laboratory of Diagnostic Genome Analysis, Leiden University Medical Center (LUMC)
Classification: Uncertain significance. Review status: no assertion criteria provided. Collection method: clinical testing. Allele origin: germline. Affected: yes. Study: VKGL Data-share Consensus. Not counted in ClinVar's aggregate classification.

NM_001130438.3(SPTAN1):c.4279C>T (p.Arg1427Cys)

Gene: SPTAN1 (spectrin alpha, non-erythrocytic 1; plus strand). Cytogenetic location: 9q34.11.
Variant type: single nucleotide variant.
Coding change: c.4279C>T on transcript NM_001130438.3 (MANE Select); coding-DNA position 4279, C replaced by T.
Protein change: p.Arg1427Cys; replaces arginine 1427 with cysteine.
Molecular consequence: missense variant.
Genome position (GRCh38, 1-based): chr9:128,607,984, C>T. VCF-style: chr9-128607984-C-T. GRCh37 (hg19) VCF-style: chr9-131370263-C-T.
Other names: c.4279C>T (NM_001130438.2); c.4219C>T, p.Arg1407Cys (NM_001195532.2, NM_001363765.2, NM_001375314.2); c.4279C>T, p.Arg1427Cys (NM_001363759.2, NM_001375310.1, NM_001375311.2 and 2 more transcripts); c.4315C>T, p.Arg1439Cys (NM_001375312.2, NM_001375318.1); short protein forms R1407C, R1427C, R1439C.
Identifiers: ClinVar variation 1206140 (VCV001206140.10), dbSNP rs774559979, ClinGen allele CA5265152.